The following is an entry in ClinVar:

NM_000064.4(C3):c.504+171A>G

Gene: C3 (complement C3; minus strand). Cytogenetic location: 19p13.3.
Variant type: single nucleotide variant.
Coding change: c.504+171A>G on transcript NM_000064.4 (MANE Select); 171 bases into the intron after coding-DNA position 504, A replaced by G.
Molecular consequence: intron variant.
Genome position (GRCh38, 1-based): chr19:6,717,923, T>C on the plus strand (A>G on the coding strand, the complement: C3 is on the minus strand). VCF-style: chr19-6717923-T-C. GRCh37 (hg19) VCF-style: chr19-6717934-T-C.
Identifiers: ClinVar variation 1273596 (VCV001273596.3), dbSNP rs2642196, ClinGen allele CA304803205.

ClinVar aggregate classification (germline): Benign. Review status: criteria provided, multiple submitters, no conflicts (2 of 4 stars). 3 submissions from 3 submitters: Benign (3). Last evaluated 2025-09-30.

Conditions:
Atypical hemolytic-uremic syndrome. Identifiers: Orphanet 2134, MedGen C2931788, MONDO:0016244.
Complement component 3 deficiency. Identifiers: Orphanet 280133, MedGen C3151071, MONDO:0013417, OMIM 613779.
C3 glomerulonephritis. Also called: C3 GLOMERULOPATHY 3; Nephropathy due to CFHR5 Deficiency. Identifiers: Orphanet 329931, MedGen C4055342, MONDO:0013892, OMIM 614809.

Allele frequency attached by ClinVar (database versions not stated): gnomAD exomes 0.92803; gnomAD 0.94312; TOPMed 0.94451; 1000 Genomes Project 30x 0.96736; 1000 Genomes Project 0.96885.
gnomAD v4.1: 675,567 of 725,308 alleles (93%); highest among the groups gnomAD compares: African/African-American, 98%; 314,944 homozygotes.

Submissions (3):

Genomenon, Inc
Classification: Benign for Complement component 3 deficiency; C3 glomerulonephritis; Atypical hemolytic-uremic syndrome. Last evaluated: 2025-09-30. Review status: criteria provided, single submitter. Criteria: Genomenon Sequence Variant Interpretation Standards. Collection method: curation. Allele origin: germline. Affected: no.
Comment: C3 c.504+171A>G is a deeply intronic variant located in intron 4. This variant has been reported in the published literature (PMID:21695249). This variant is present at high allele frequency in population databases. In conclusion, we classify C3 c.504+171A>G as a benign variant.

GeneDx
Classification: Benign. Last evaluated: 2021-06-18. Review status: criteria provided, single submitter. Criteria: GeneDx Variant Classification Process June 2021. Collection method: clinical testing. Allele origin: germline. Affected: yes.

Breakthrough Genomics
Classification: Benign. Review status: criteria provided, single submitter. Criteria: ACMG Guidelines, 2015. Collection method: not provided. Allele origin: germline. Inheritance: Autosomal recessive inheritance. Affected: yes.

Literature cited by the submitters: PubMed 21695249 (cited by Genomenon, Inc).